The following is an entry in ClinVar:

NM_002860.4(ALDH18A1):c.1867G>A (p.Asp623Asn)

Gene: ALDH18A1 (aldehyde dehydrogenase 18 family member A1; minus strand). Cytogenetic location: 10q24.1.
Variant type: single nucleotide variant.
Coding change: c.1867G>A on transcript NM_002860.4 (MANE Select); coding-DNA position 1867, G replaced by A.
Protein change: p.Asp623Asn; replaces aspartic acid 623 with asparagine.
Molecular consequence: missense variant.
Genome position (GRCh38, 1-based): chr10:95,613,798, C>T on the plus strand (G>A on the coding strand, the complement: ALDH18A1 is on the minus strand). VCF-style: chr10-95613798-C-T. GRCh37 (hg19) VCF-style: chr10-97373555-C-T.
Other names: c.1861G>A, p.Asp621Asn (NM_001017423.2, NM_001323415.2); c.1534G>A, p.Asp512Asn (NM_001323412.2, NM_001323416.2); c.1867G>A, p.Asp623Asn (NM_001323413.2, NM_001323414.2); c.1762G>A, p.Asp588Asn (NM_001323417.2); c.1528G>A, p.Asp510Asn (NM_001323418.2); c.1231G>A, p.Asp411Asn (NM_001323419.2); short protein forms D623N, D510N, D588N, D621N, D411N, D512N.
Identifiers: ClinVar variation 424961 (VCV000424961.51), dbSNP rs770815414, ClinGen allele CA5620205.

ClinVar aggregate classification (germline): Conflicting classifications of pathogenicity. Review status: criteria provided, conflicting classifications (1 of 4 stars). 4 submissions from 4 submitters: Uncertain significance (3); Likely benign (1). Last evaluated 2026-01-12.

Conditions:
ALDH18A1-related de Barsy syndrome. Also called: DE BARSY SYNDROME A; Cutis laxa, autosomal recessive IIIA. Identifiers: Orphanet 2962, Orphanet 35664, MedGen C5234852, MONDO:0009053, OMIM 219150.
Hereditary spastic paraplegia 9A. Also called: SPASTIC PARAPLEGIA 9A, AUTOSOMAL DOMINANT; CATARACTS WITH MOTOR NEURONOPATHY, SHORT STATURE, AND SKELETAL ABNORMALITIES; SPASTIC PARAPARESIS WITH AMYOTROPHY, CATARACTS, AND GASTROESOPHAGEAL REFLUX. Identifiers: Orphanet 100990, Orphanet 447753, MedGen C5568978, MONDO:0011006, OMIM 601162.
Autosomal recessive complex spastic paraplegia type 9B. Also called: Spastic paraplegia 9b, autosomal recessive. Identifiers: Orphanet 447760, MedGen C5568980, MONDO:0014702, OMIM 616586.
Cutis laxa, autosomal dominant 3 (ADCL3). Identifiers: Orphanet 90348, MedGen C4225268, MONDO:0014706, OMIM 616603.
Autosomal dominant spastic paraplegia type 9. Identifiers: MedGen C1832669, MONDO:0015091.
de Barsy syndrome. Also called: Cutis laxa-corneal clouding-oligophrenia syndrome. Identifiers: Orphanet 2962, MedGen C0268354, MONDO:0017569.
Intellectual disability. Also called: Intellectual functioning disability; intellectual disabilities; Intellectual developmental disorder. Identifiers: MedGen C3714756, MeSH D008607, MONDO:0001071, HP:0001249.

Allele frequency attached by ClinVar (database versions not stated): TOPMed 0.00004; gnomAD 0.00006; ExAC 0.00013; gnomAD exomes 0.00016.
gnomAD v4.1: 141 of 1,613,976 alleles (0.0087%); highest among the groups gnomAD compares: South Asian, 0.081%; no homozygotes.

Submissions (4):

Labcorp Genetics (formerly Invitae), Labcorp
Classification: Uncertain significance for Autosomal dominant spastic paraplegia type 9; de Barsy syndrome; Cutis laxa, autosomal dominant 3. Last evaluated: 2026-01-12. Review status: criteria provided, single submitter. Criteria: Invitae Variant Classification Sherloc (09022015). Collection method: clinical testing. Allele origin: germline.
Comment: This sequence change replaces aspartic acid, which is acidic and polar, with asparagine, which is neutral and polar, at codon 623 of the ALDH18A1 protein (p.Asp623Asn). This variant is present in population databases (rs770815414, gnomAD 0.09%). This missense change has been observed in individual(s) with clinical features of ALDH18A1-related conditions and/or cutis laxa (PMID: 32859844, 37119015). It has also been observed to segregate with disease in related individuals. ClinVar contains an entry for this variant (Variation ID: 424961). Invitae Evidence Modeling of protein sequence and biophysical properties (such as structural, functional, and spatial information, amino acid conservation, physicochemical variation, residue mobility, and thermodynamic stability) indicates that this missense variant is not expected to disrupt ALDH18A1 protein function with a negative predictive value of 80%. In summary, the available evidence is currently insufficient to determine the role of this variant in disease. Therefore, it has been classified as a Variant of Uncertain Significance.

Cambridge Genomics Laboratory, East Genomic Laboratory Hub, NHS Genomic Medicine Service
Classification: Likely benign for Intellectual disability. Last evaluated: 2019-05-16. Review status: criteria provided, single submitter. Criteria: ACGS Best Practice Guidelines for Variant Classification in Rare Disease 2020. Collection method: clinical testing. Allele origin: germline. Affected: yes. Observed: 1 variant allele.

Fulgent Genetics
Classification: Uncertain significance for ALDH18A1-related de Barsy syndrome; Hereditary spastic paraplegia 9A; Autosomal recessive complex spastic paraplegia type 9B; Cutis laxa, autosomal dominant 3. Last evaluated: 2018-10-31. Review status: criteria provided, single submitter. Criteria: ACMG Guidelines, 2015. Collection method: clinical testing. Allele origin: unknown.

CeGaT Center for Human Genetics Tuebingen
Classification: Uncertain significance. Last evaluated: 2017-03-01. Review status: criteria provided, single submitter. Criteria: CeGaT Center For Human Genetics Tuebingen Variant Classification Criteria Version 2. Collection method: clinical testing. Allele origin: germline. Affected: yes. Observed: 2 variant alleles.

Literature cited by the submitters: PubMed 32859844 (cited by Labcorp Genetics (formerly Invitae), Labcorp); PubMed 37119015 (cited by Labcorp Genetics (formerly Invitae), Labcorp).